The following is an entry in ClinVar:

ClinVar aggregate classification (germline): Conflicting classifications of pathogenicity. Review status: criteria provided, conflicting classifications (1 of 4 stars). 3 submissions from 3 submitters: Uncertain significance (2); Likely benign (1). Last evaluated 2026-07-02.

Conditions:
Hypercholesterolemia, autosomal dominant, type B (FHCL2). Also called: Familial hypercholesterolemia 2; Familial Hypercholesterolemia Type B; Hyperlipoproteinemia Type IIb; APOB-Related Familial Hypercholesterolemia, Autosomal Dominant; APOLIPOPROTEIN B-100, FAMILIAL DEFECTIVE; APOLIPOPROTEIN B-100, FAMILIAL LIGAND-DEFECTIVE. Identifiers: MedGen C1704417, MONDO:0007751, OMIM 144010.
Familial hypobetalipoproteinemia 1. Also called: Hypobetalipoproteinemia, normotriglyceridemic; Acanthocytosis with hypobetalipoproteinemia; APOB-Related Familial Hypobetalipoproteinemia. Identifiers: MedGen C4551990, MONDO:0014252, OMIM 615558.
Cardiovascular phenotype. Identifiers: MedGen CN230736.

Allele frequency attached by ClinVar (database versions not stated): gnomAD exomes 0.00001.
gnomAD v4.1: 8 of 1,613,874 alleles (0.0005%); highest among the groups gnomAD compares: Non-Finnish European, 0.00068%; no homozygotes.

Submissions (3):

Ambry Genetics
Classification: Uncertain significance for Cardiovascular phenotype. Last evaluated: 2026-07-02. Review status: criteria provided, single submitter. Criteria: Ambry Variant Classification Scheme 2023. Collection method: clinical testing. Allele origin: germline.
Comment: The p.I1231T variant (also known as c.3692T>C), located in coding exon 23 of the APOB gene, results from a T to C substitution at nucleotide position 3692. The isoleucine at codon 1231 is replaced by threonine, an amino acid with similar properties. This amino acid position is conserved. In addition, this alteration is predicted to be tolerated by in silico analysis. Based on the available evidence, the clinical significance of this variant remains unclear.

Molecular Diagnostic Laboratory for Inherited Cardiovascular Disease, Montreal Heart Institute
Classification: Likely benign. Last evaluated: 2025-04-08. Review status: criteria provided, single submitter. Criteria: ACMG Guidelines, 2015. Collection method: clinical testing. Allele origin: germline. Affected: no.
Comment: PM2, BP4, BP5

New York Genome Center
Classification: Uncertain significance for Familial hypobetalipoproteinemia 1; Hypercholesterolemia, autosomal dominant, type B. Last evaluated: 2022-06-07. Review status: criteria provided, single submitter. Criteria: NYGC Assertion Criteria 2020. Collection method: clinical testing. Allele origin: germline. Observed: 1 heterozygote.
Comment: The c.3692T>C p.(Ile1231Thr) variant identified in the APOB gene has not previously been reported in the literature and has been deposited in ClinVar as a Variant of Uncertain Significance [VarID:978302]. The c.3692T>C variant is absent from population databases (gnomAD v2.1.1 and v3.1.2,TOPMed Freeze 8), suggesting it is not a common benign variant in the populations represented in those databases. The c.3692T>C variant is located in exon 23 of this 29-exon gene, and the predicted p.(Ile1231Thr) variant replaces an Isoleucine amino acid with Threonine at position 1231/4564. In silico predictions are not in favor of deleterious effect of the variant on the encoded protein (REVEL= 0.118). Based on available evidence this c.3692T>C p.(Ile1231Thr) variant identified in the APOB gene is classified as a Variant of Uncertain Significance.

NM_000384.3(APOB):c.3692T>C (p.Ile1231Thr)

Gene: APOB (apolipoprotein B; minus strand). Cytogenetic location: 2p24.1.
Variant type: single nucleotide variant.
Coding change: c.3692T>C on transcript NM_000384.3 (MANE Select); coding-DNA position 3692, T replaced by C.
Protein change: p.Ile1231Thr; replaces isoleucine 1231 with threonine.
Molecular consequence: missense variant.
Genome position (GRCh38, 1-based): chr2:21,015,077, A>G on the plus strand (T>C on the coding strand, the complement: APOB is on the minus strand). VCF-style: chr2-21015077-A-G. GRCh37 (hg19) VCF-style: chr2-21237949-A-G.
Other names: short protein forms I1231T.
Identifiers: ClinVar variation 978302 (VCV000978302.6), dbSNP rs1663429897, ClinGen allele CA346008510.